The following is an entry in ClinVar:

NM_031229.4(RBCK1):c.839C>T (p.Ala280Val)

Gene: RBCK1 (RANBP2-type and C3HC4-type zinc finger containing 1; plus strand). Cytogenetic location: 20p13.
Variant type: single nucleotide variant.
Coding change: c.839C>T on transcript NM_031229.4 (MANE Select); coding-DNA position 839, C replaced by T.
Protein change: p.Ala280Val; replaces alanine 280 with valine.
Molecular consequence: missense variant. On other transcripts: non-coding transcript variant (1), intron variant (2).
Genome position (GRCh38, 1-based): chr20:420,953, C>T. VCF-style: chr20-420953-C-T. GRCh37 (hg19) VCF-style: chr20-401597-C-T.
Other names: c.839C>T (NM_031229.2); c.713C>T, p.Ala238Val (NM_006462.6); c.408-1174C>T (NM_001323956.2, NM_001323958.2); short protein forms A238V, A280V.
Identifiers: ClinVar variation 964122 (VCV000964122.9), dbSNP rs1331848000, ClinGen allele CA407928106.
Genomic context (GRCh38, chr20:420,953, plus strand): 5'-GGAACTACCTGCAGCACGTCCAGCTGGACCAGAGGAGCCTGGTGCTGAACACGGAGCCCG[C>T]CGAGTGCCCCGTGTGCTACTCGGTGCTGGCGCCCGGCGAGGCCGTGGTGCTGCGTGAGTG-3'
Protein context (NP_112506.2, residues 270-290): QRSLVLNTEP[Ala280Val]ECPVCYSVLA

ClinVar aggregate classification (germline): Uncertain significance. Review status: criteria provided, multiple submitters, no conflicts (2 of 4 stars). 2 submissions from 2 submitters: Uncertain significance (2). Last evaluated 2025-09-15.

Conditions:
Polyglucosan body myopathy type 1 (PGBM1). Also called: Polyglucosan body myopathy 1 with or without immunodeficiency; POLYGLUCOSAN BODY MYOPATHY WITHOUT IMMUNODEFICIENCY. Identifiers: Orphanet 329173, Orphanet 397937, MedGen C4014605, MONDO:0014389, OMIM 615895.
Inborn genetic diseases. Identifiers: MedGen C0950123, MeSH D030342.

Allele frequency attached by ClinVar (database versions not stated): gnomAD exomes 0.00002; TOPMed 0.00003; gnomAD 0.00006.
gnomAD v4.1: 38 of 1,556,922 alleles (0.0024%); highest among the groups gnomAD compares: Non-Finnish European, 0.003%; no homozygotes.

Submissions (2):

Labcorp Genetics (formerly Invitae), Labcorp
Classification: Uncertain significance for Polyglucosan body myopathy type 1. Last evaluated: 2025-09-15. Review status: criteria provided, single submitter. Criteria: Invitae Variant Classification Sherloc (09022015). Collection method: clinical testing. Allele origin: germline.
Comment: This sequence change replaces alanine, which is neutral and non-polar, with valine, which is neutral and non-polar, at codon 280 of the RBCK1 protein (p.Ala280Val). The frequency data for this variant in the population databases is considered unreliable, as metrics indicate poor data quality at this position in the gnomAD database. This variant has not been reported in the literature in individuals affected with RBCK1-related conditions. ClinVar contains an entry for this variant (Variation ID: 964122). Invitae Evidence Modeling of protein sequence and biophysical properties (such as structural, functional, and spatial information, amino acid conservation, physicochemical variation, residue mobility, and thermodynamic stability) indicates that this missense variant is not expected to disrupt RBCK1 protein function with a negative predictive value of 80%. In summary, the available evidence is currently insufficient to determine the role of this variant in disease. Therefore, it has been classified as a Variant of Uncertain Significance.

Ambry Genetics
Classification: Uncertain significance for Inborn genetic diseases. Last evaluated: 2025-08-27. Review status: criteria provided, single submitter. Criteria: Ambry Variant Classification Scheme 2023. Collection method: clinical testing. Allele origin: germline.